The following is an entry in ClinVar:

NM_004973.4(JARID2):c.3374A>G (p.Lys1125Arg)

Gene: JARID2 (jumonji and AT-rich interaction domain containing 2; plus strand). Cytogenetic location: 6p22.3.
Variant type: single nucleotide variant.
Coding change: c.3374A>G on transcript NM_004973.4 (MANE Select); coding-DNA position 3374, A replaced by G.
Protein change: p.Lys1125Arg; replaces lysine 1125 with arginine.
Molecular consequence: missense variant.
Genome position (GRCh38, 1-based): chr6:15,513,346, A>G. VCF-style: chr6-15513346-A-G. GRCh37 (hg19) VCF-style: chr6-15513577-A-G.
Other names: c.2858A>G, p.Lys953Arg (NM_001267040.1); short protein forms K1125R, K953R.
Identifiers: ClinVar variation 2136206 (VCV002136206.1), dbSNP rs1413964373, ClinGen allele CA362803089.

ClinVar aggregate classification (germline): Uncertain significance (1 of 4 stars; one submission).

Allele frequency attached by ClinVar (database versions not stated): gnomAD exomes below 0.00001; TOPMed below 0.00001; gnomAD 0.00001.
gnomAD v4.1: 7 of 1,613,344 alleles (0.00043%); highest among the groups gnomAD compares: Non-Finnish European, 0.00059%; no homozygotes.

Submission:

GeneDx
Classification: Uncertain significance. Last evaluated: 2022-07-19. Review status: criteria provided, single submitter. Criteria: GeneDx Variant Classification Process June 2021. Collection method: clinical testing. Allele origin: germline. Affected: yes.
Comment: Not observed at significant frequency in large population cohorts (gnomAD); In silico analysis supports that this missense variant does not alter protein structure/function; Has not been previously published as pathogenic or benign to our knowledge